The following is an entry in ClinVar:

ClinVar aggregate classification (germline): Uncertain significance (1 of 4 stars; one submission).

Allele frequency attached by ClinVar (database versions not stated): gnomAD exomes below 0.00001; ExAC 0.00001; TOPMed 0.00001; ESP Exome Variant Server 0.00008.
gnomAD v4.1: 2 of 1,612,834 alleles (0.00012%); highest among the groups gnomAD compares: Non-Finnish European, 0.00017%; no homozygotes.

Submission:

Labcorp Genetics (formerly Invitae), Labcorp
Classification: Uncertain significance. Last evaluated: 2021-04-08. Review status: criteria provided, single submitter. Criteria: Invitae Variant Classification Sherloc (09022015). Collection method: clinical testing. Allele origin: germline.
Comment: This sequence change replaces lysine with arginine at codon 434 of the SLC9A3 protein (p.Lys434Arg). The lysine residue is highly conserved and there is a small physicochemical difference between lysine and arginine. This variant is present in population databases (rs373929839, ExAC 0.002%). This variant has not been reported in the literature in individuals with SLC9A3-related conditions. Algorithms developed to predict the effect of missense changes on protein structure and function output the following: SIFT: "Not Available"; PolyPhen-2: "Benign"; Align-GVGD: "Not Available". The arginine amino acid residue is found in multiple mammalian species, suggesting that this missense change does not adversely affect protein function. These predictions have not been confirmed by published functional studies and their clinical significance is uncertain. In summary, the available evidence is currently insufficient to determine the role of this variant in disease. Therefore, it has been classified as a Variant of Uncertain Significance.

NM_004174.4(SLC9A3):c.1301A>G (p.Lys434Arg)

Gene: SLC9A3 (solute carrier family 9 member A3). Cytogenetic location: 5p15.33.
Variant type: single nucleotide variant.
Coding change: c.1301A>G on transcript NM_004174.4 (MANE Select); coding-DNA position 1301, A replaced by G.
Protein change: p.Lys434Arg; replaces lysine 434 with arginine.
Molecular consequence: missense variant.
Genome position (GRCh38, 1-based): chr5:482,603, T>C on the plus strand (A>G on the coding strand, the complement: SLC9A3 is on the minus strand). VCF-style: chr5-482603-T-C. GRCh37 (hg19) VCF-style: chr5-482718-T-C.
Other names: c.1301A>G, p.Lys434Arg (NM_001284351.3); short protein forms K434R.
Identifiers: ClinVar variation 1524218 (VCV001524218.5), dbSNP rs373929839, ClinGen allele CA3176014.